The following is an entry in ClinVar:

ClinVar aggregate classification (germline): Uncertain significance. Review status: criteria provided, multiple submitters, no conflicts (2 of 4 stars). 4 submissions from 4 submitters: Uncertain significance (3). 1 of the submissions does not count toward it. Last evaluated 2026-02-18.

Conditions:
GHRHR-related disorder. Also called: GHRHR-related condition.
Inborn genetic diseases. Identifiers: MedGen C0950123, MeSH D030342.

gnomAD v4.1: 115 of 1,613,908 alleles (0.0071%); highest among the groups gnomAD compares: Non-Finnish European, 0.0092%; no homozygotes.

Submissions (4):

Women's Health and Genetics/Laboratory Corporation of America, LabCorp
Classification: Uncertain significance. Last evaluated: 2026-02-18. Review status: criteria provided, single submitter. Criteria: LabCorp Variant Classification Summary - May 2015. Collection method: clinical testing. Allele origin: germline.
Comment: Variant summary: GHRHR c.516T>A (p.Phe172Leu) results in a non-conservative amino acid change in the encoded protein sequence. Algorithms developed to predict the effect of missense changes on protein structure and function are either unavailable or do not agree on the potential impact of this missense change. The variant allele was found at a frequency of 2e-05 in 251464 control chromosomes. The available data on variant occurrences in the general population are insufficient to allow any conclusion about variant significance. To our knowledge, no occurrence of c.516T>A in individuals affected with GHRHR-related conditions and no experimental evidence demonstrating its impact on protein function have been reported. ClinVar contains an entry for this variant (Variation ID: 3353636). Based on the evidence outlined above, the variant was classified as uncertain significance.

Ambry Genetics
Classification: Uncertain significance for Inborn genetic diseases. Last evaluated: 2024-12-09. Review status: criteria provided, single submitter. Criteria: Ambry Variant Classification Scheme 2023. Collection method: clinical testing. Allele origin: germline.

Labcorp Genetics (formerly Invitae), Labcorp
Classification: Uncertain significance. Last evaluated: 2024-08-31. Review status: criteria provided, single submitter. Criteria: Invitae Variant Classification Sherloc (09022015). Collection method: clinical testing. Allele origin: germline.
Comment: This sequence change replaces phenylalanine, which is neutral and non-polar, with leucine, which is neutral and non-polar, at codon 172 of the GHRHR protein (p.Phe172Leu). This variant is present in population databases (rs150685406, gnomAD 0.008%). This variant has not been reported in the literature in individuals affected with GHRHR-related conditions. Invitae Evidence Modeling of protein sequence and biophysical properties (such as structural, functional, and spatial information, amino acid conservation, physicochemical variation, residue mobility, and thermodynamic stability) indicates that this missense variant is not expected to disrupt GHRHR protein function with a negative predictive value of 80%. In summary, the available evidence is currently insufficient to determine the role of this variant in disease. Therefore, it has been classified as a Variant of Uncertain Significance.

PreventionGenetics, part of Exact Sciences
Classification: Uncertain significance for GHRHR-related condition. Last evaluated: 2024-03-19. Review status: no assertion criteria provided. Collection method: clinical testing. Allele origin: germline. Not counted in ClinVar's aggregate classification.
Comment: The GHRHR c.516T>A variant is predicted to result in the amino acid substitution p.Phe172Leu. To our knowledge, this variant has not been reported in the literature. This variant is reported in 0.0054% of alleles in individuals of European (Non-Finnish) descent in gnomAD. At this time, the clinical significance of this variant is uncertain due to the absence of conclusive functional and genetic evidence.

NM_000823.4(GHRHR):c.516T>A (p.Phe172Leu)

Gene: GHRHR (growth hormone releasing hormone receptor; plus strand). Cytogenetic location: 7p14.3.
Variant type: single nucleotide variant.
Coding change: c.516T>A on transcript NM_000823.4 (MANE Select); coding-DNA position 516, T replaced by A.
Protein change: p.Phe172Leu; replaces phenylalanine 172 with leucine.
Molecular consequence: missense variant.
Genome position (GRCh38, 1-based): chr7:30,972,014, T>A. VCF-style: chr7-30972014-T-A. GRCh37 (hg19) VCF-style: chr7-31011629-T-A.
Other names: short protein forms F172L.
Identifiers: ClinVar variation 3353636 (VCV003353636.5).